The following is an entry in ClinVar:

ClinVar aggregate classification (germline): Conflicting classifications of pathogenicity. Review status: criteria provided, conflicting classifications (1 of 4 stars). 5 submissions from 5 submitters: Uncertain significance (1); Benign (2); Likely benign (2). Last evaluated 2026-02-03.

Conditions:
Hereditary spastic paraplegia 48. Also called: Spastic paraplegia 48; SPASTIC PARAPLEGIA 48, AUTOSOMAL RECESSIVE. Identifiers: Orphanet 306511, MedGen C3150901, MONDO:0013342, OMIM 613647.

Allele frequency attached by ClinVar (database versions not stated): 1000 Genomes Project 30x 0.00109; 1000 Genomes Project 0.00140; gnomAD 0.00211 and 0.00227; TOPMed 0.00242; ESP Exome Variant Server 0.00307; gnomAD exomes 0.00064; ExAC 0.00083.
gnomAD v4.1: 604 of 1,548,722 alleles (0.039%); highest among the groups gnomAD compares: African/African-American, 0.69%; 2 homozygotes.

Submissions (5):

Labcorp Genetics (formerly Invitae), Labcorp
Classification: Likely benign for Hereditary spastic paraplegia 48. Last evaluated: 2026-02-03. Review status: criteria provided, single submitter. Criteria: Invitae Variant Classification Sherloc (09022015). Collection method: clinical testing. Allele origin: germline.

Women's Health and Genetics/Laboratory Corporation of America, LabCorp
Classification: Benign. Last evaluated: 2025-07-21. Review status: criteria provided, single submitter. Criteria: LabCorp Variant Classification Summary - May 2015. Collection method: clinical testing. Allele origin: germline.
Comment: Variant summary: AP5Z1 c.366+5C>T alters a nucleotide located close to a canonical splice site and therefore could affect mRNA splicing, leading to a significantly altered protein sequence. Consensus agreement among computation tools predict no significant impact on normal splicing. However, these predictions have yet to be confirmed by functional studies. The variant allele was found at a frequency of 0.00064 in 209000 control chromosomes, predominantly at a frequency of 0.0081 within the African or African-American subpopulation in the gnomAD database, including 1 homozygote. The observed variant frequency within African or African-American control individuals in the gnomAD database exceeds the estimated maximal expected allele frequency for a pathogenic variant in AP5Z1 causing Hereditary Spastic Paraplegia 48 phenotype. To our knowledge, no occurrence of c.366+5C>T in individuals affected with Hereditary Spastic Paraplegia 48 and no experimental evidence demonstrating its impact on protein function have been reported. ClinVar contains an entry for this variant (Variation ID: 360307). Based on the evidence outlined above, the variant was classified as benign.

Blueprint Genetics
Classification: Likely benign. Last evaluated: 2024-11-13. Review status: criteria provided, single submitter. Criteria: ACMG Guidelines, 2015. Collection method: clinical testing. Allele origin: germline.

Illumina Laboratory Services, Illumina
Classification: Uncertain significance for Hereditary spastic paraplegia 48. Last evaluated: 2018-01-13. Review status: criteria provided, single submitter. Criteria: ICSL Variant Classification Criteria 13 December 2019. Collection method: clinical testing. Allele origin: germline.

Athena Diagnostics
Classification: Benign. Last evaluated: 2016-12-16. Review status: criteria provided, single submitter. Criteria: Athena Diagnostics Criteria. Collection method: clinical testing. Allele origin: germline.

NM_014855.3(AP5Z1):c.366+5C>T

Gene: AP5Z1 (adaptor related protein complex 5 subunit zeta 1; plus strand). Cytogenetic location: 7p22.1.
Variant type: single nucleotide variant.
Coding change: c.366+5C>T on transcript NM_014855.3 (MANE Select); 5 bases into the intron after coding-DNA position 366, C replaced by T.
Molecular consequence: intron variant.
Genome position (GRCh38, 1-based): chr7:4,781,759, C>T. VCF-style: chr7-4781759-C-T. GRCh37 (hg19) VCF-style: chr7-4821390-C-T.
Other names: c.366+5C>T (LRG_1247t1); c.-103+447C>T (NM_001364858.1).
Identifiers: ClinVar variation 360307 (VCV000360307.18), dbSNP rs143800095, ClinGen allele CA4137156.